The following is an entry in ClinVar:

NM_006766.5(KAT6A):c.5961G>A (p.Met1987Ile)

Gene: KAT6A (lysine acetyltransferase 6A; minus strand). Cytogenetic location: 8p11.21.
Variant type: single nucleotide variant.
Coding change: c.5961G>A on transcript NM_006766.5 (MANE Select); coding-DNA position 5961, G replaced by A.
Protein change: p.Met1987Ile; replaces methionine 1987 with isoleucine.
Molecular consequence: missense variant.
Genome position (GRCh38, 1-based): chr8:41,932,259, C>T on the plus strand (G>A on the coding strand, the complement: KAT6A is on the minus strand). VCF-style: chr8-41932259-C-T. GRCh37 (hg19) VCF-style: chr8-41789777-C-T.
Other names: c.5961G>A (NM_006766.3); short protein forms M1987I.
Identifiers: ClinVar variation 2725629 (VCV002725629.5), dbSNP rs2486749962, ClinGen allele CA371059928.

ClinVar aggregate classification (germline): Uncertain significance. Review status: criteria provided, multiple submitters, no conflicts (2 of 4 stars). 3 submissions from 3 submitters: Uncertain significance (3). Last evaluated 2025-08-29.

Conditions:
Inborn genetic diseases. Identifiers: MedGen C0950123, MeSH D030342.
Autosomal dominant intellectual disability-craniofacial anomalies-cardiac defects syndrome (ARTHS). Also called: Mental retardation, autosomal dominant 32; KAT6A syndrome; Arboleda-Tham syndrome. Identifiers: Orphanet 457193, MedGen C4225396, MONDO:0014558, OMIM 616268.

Allele frequency attached by ClinVar (database versions not stated): gnomAD exomes below 0.00001.

Submissions (3):

Ambry Genetics
Classification: Uncertain significance for Inborn genetic diseases. Last evaluated: 2025-08-29. Review status: criteria provided, single submitter. Criteria: Ambry Variant Classification Scheme 2023. Collection method: clinical testing. Allele origin: germline.

Labcorp Genetics (formerly Invitae), Labcorp
Classification: Uncertain significance. Last evaluated: 2023-08-08. Review status: criteria provided, single submitter. Criteria: Invitae Variant Classification Sherloc (09022015). Collection method: clinical testing. Allele origin: germline.
Comment: In summary, the available evidence is currently insufficient to determine the role of this variant in disease. Therefore, it has been classified as a Variant of Uncertain Significance. Experimental studies and prediction algorithms are not available or were not evaluated, and the functional significance of this variant is currently unknown. This variant has not been reported in the literature in individuals affected with KAT6A-related conditions. This variant is not present in population databases (gnomAD no frequency). This sequence change replaces methionine, which is neutral and non-polar, with isoleucine, which is neutral and non-polar, at codon 1987 of the KAT6A protein (p.Met1987Ile).

Neuberg Centre For Genomic Medicine, NCGM
Classification: Uncertain significance for Autosomal dominant intellectual disability-craniofacial anomalies-cardiac defects syndrome. Last evaluated: 2023-06-22. Review status: criteria provided, single submitter. Criteria: ACMG Guidelines, 2015. Collection method: clinical testing. Allele origin: germline. Inheritance: Autosomal dominant inheritance. Affected: yes.
Comment: The observed missense c.5961G>A(p.Met1987Ile) variant in KAT6A gene has not been reported previously as a pathogenic variant nor as a benign variant, to our knowledge. The p.Met1987Ile variant is absent in gnomAD Exomes database. This variant has not been reported to the ClinVar database. Computational evidence (Polyphen - probably damaging, SIFT - Tolerated and MutationTaster -disease causing) predicts conflicting evidence on protein structure and function for this variant. The reference amino acid in KAT6A is predicted as conserved by GERP++ and PhyloP across 100 vertebrates. The amino acid Met at position 1987 is changed to a Ile changing protein sequence and it might alter its composition and physico-chemical properties. For these reasons, this variant has been classified as Uncertain Significance (VUS).